The following is an entry in ClinVar:

NM_001792.5(CDH2):c.1269T>G (p.Ser423Arg)

Gene: CDH2 (cadherin 2; minus strand). Cytogenetic location: 18q12.1.
Variant type: single nucleotide variant.
Coding change: c.1269T>G on transcript NM_001792.5 (MANE Select); coding-DNA position 1269, T replaced by G.
Protein change: p.Ser423Arg; replaces serine 423 with arginine.
Molecular consequence: missense variant.
Genome position (GRCh38, 1-based): chr18:27,992,730, A>C on the plus strand (T>G on the coding strand, the complement: CDH2 is on the minus strand). VCF-style: chr18-27992730-A-C. GRCh37 (hg19) VCF-style: chr18-25572694-A-C.
Other names: c.1176T>G, p.Ser392Arg (NM_001308176.2); short protein forms S423R, S392R.
Identifiers: ClinVar variation 1764919 (VCV001764919.2), dbSNP rs2510799135, ClinGen allele CA402109984.

ClinVar aggregate classification (germline): Uncertain significance (1 of 4 stars; one submission).

Conditions:
Inborn genetic diseases. Identifiers: MedGen C0950123, MeSH D030342.

Submission:

Ambry Genetics
Classification: Uncertain significance for Inborn genetic diseases. Last evaluated: 2021-09-21. Review status: criteria provided, single submitter. Criteria: Ambry Variant Classification Scheme 2023. Collection method: clinical testing. Allele origin: germline.
Comment: The p.S423R variant (also known as c.1269T>G), located in coding exon 9 of the CDH2 gene, results from a T to G substitution at nucleotide position 1269. The serine at codon 423 is replaced by arginine, an amino acid with dissimilar properties. This amino acid position is conserved. In addition, this alteration is predicted to be tolerated by in silico analysis. Since supporting evidence is limited at this time, the clinical significance of this alteration remains unclear.